The following is an entry in ClinVar:

ClinVar aggregate classification (germline): Uncertain significance. Review status: criteria provided, multiple submitters, no conflicts (2 of 4 stars). 3 submissions from 3 submitters: Uncertain significance (3). Last evaluated 2023-04-11.

Conditions:
Inborn genetic diseases. Identifiers: MedGen C0950123, MeSH D030342.
Developmental and epileptic encephalopathy, 18 (DEE18). Also called: Early infantile epileptic encephalopathy 18. Identifiers: Orphanet 369894, MedGen C3809624, MONDO:0014201, OMIM 615476.

Allele frequency attached by ClinVar (database versions not stated): gnomAD 0.00001; TOPMed 0.00001; gnomAD exomes 0.00002; ExAC 0.00003.
gnomAD v4.1: 10 of 1,614,076 alleles (0.00062%); highest among the groups gnomAD compares: East Asian, 0.0022%; no homozygotes.

Submissions (3):

Genome-Nilou Lab
Classification: Uncertain significance for Developmental and epileptic encephalopathy, 18. Last evaluated: 2023-04-11. Review status: criteria provided, single submitter. Criteria: ACMG Guidelines, 2015. Collection method: clinical testing. Allele origin: germline. Affected: no.

GeneDx
Classification: Uncertain significance. Last evaluated: 2023-01-08. Review status: criteria provided, single submitter. Criteria: GeneDx Variant Classification Process June 2021. Collection method: clinical testing. Allele origin: germline. Affected: yes.
Comment: Not observed at significant frequency in large population cohorts (gnomAD); In silico analysis supports that this missense variant has a deleterious effect on protein structure/function; Has not been previously published as pathogenic or benign to our knowledge

Ambry Genetics
Classification: Uncertain significance for Inborn genetic diseases. Last evaluated: 2022-09-14. Review status: criteria provided, single submitter. Criteria: Ambry Variant Classification Scheme 2023. Collection method: clinical testing. Allele origin: germline.

NM_001365999.1(SZT2):c.4834C>T (p.Leu1612Phe)

Gene: SZT2 (SZT2 subunit of KICSTOR complex; plus strand). Cytogenetic location: 1p34.2.
Variant type: single nucleotide variant.
Coding change: c.4834C>T on transcript NM_001365999.1 (MANE Select); coding-DNA position 4834, C replaced by T.
Protein change: p.Leu1612Phe; replaces leucine 1612 with phenylalanine.
Molecular consequence: missense variant.
Genome position (GRCh38, 1-based): chr1:43,431,008, C>T. VCF-style: chr1-43431008-C-T. GRCh37 (hg19) VCF-style: chr1-43896679-C-T.
Other names: c.4663C>T, p.Leu1555Phe (NM_015284.4); short protein forms L1555F, L1612F.
Identifiers: ClinVar variation 1878704 (VCV001878704.5), dbSNP rs777181706, ClinGen allele CA809388.